The following is an entry in ClinVar:

NM_001382391.1(CSPP1):c.1867G>A (p.Glu623Lys)

Gene: CSPP1 (centrosome and spindle pole associated protein 1; plus strand). Cytogenetic location: 8q13.2.
Variant type: single nucleotide variant.
Coding change: c.1867G>A on transcript NM_001382391.1 (MANE Select); coding-DNA position 1867, G replaced by A.
Protein change: p.Glu623Lys; replaces glutamic acid 623 with lysine.
Molecular consequence: missense variant.
Genome position (GRCh38, 1-based): chr8:67,137,495, G>A. VCF-style: chr8-67137495-G-A. GRCh37 (hg19) VCF-style: chr8-68049730-G-A.
Other names: c.970G>A, p.Glu324Lys (NM_001291339.2); c.1786G>A, p.Glu596Lys (NM_001363131.2); c.1825G>A, p.Glu609Lys (NM_001363132.2); c.1744G>A, p.Glu582Lys (NM_001363133.2); c.1933G>A, p.Glu645Lys (NM_001364869.1); c.1753G>A, p.Glu585Lys (NM_001364870.1); c.1852G>A, p.Glu618Lys (NM_024790.7); short protein forms E623K, E582K, E585K, E645K, E596K, E609K, E618K, E324K.
Identifiers: ClinVar variation 2004379 (VCV002004379.4), dbSNP rs2489232512, ClinGen allele CA371205407.

ClinVar aggregate classification (germline): Uncertain significance (1 of 4 stars; one submission).

Conditions:
Joubert syndrome 21 (JBTS21). Identifiers: MedGen C3810212, MONDO:0014288, OMIM 615636.

Allele frequency attached by ClinVar (database versions not stated): gnomAD exomes below 0.00001.
gnomAD v4.1: 1 of 1,553,072 alleles (0.000064%); highest among the groups gnomAD compares: Admixed American, 0.0018%; no homozygotes.

Submission:

Labcorp Genetics (formerly Invitae), Labcorp
Classification: Uncertain significance for Joubert syndrome 21. Last evaluated: 2024-10-23. Review status: criteria provided, single submitter. Criteria: Invitae Variant Classification Sherloc (09022015). Collection method: clinical testing. Allele origin: germline.
Comment: This sequence change replaces glutamic acid, which is acidic and polar, with lysine, which is basic and polar, at codon 618 of the CSPP1 protein (p.Glu618Lys). This variant is not present in population databases (gnomAD no frequency). This variant has not been reported in the literature in individuals affected with CSPP1-related conditions. ClinVar contains an entry for this variant (Variation ID: 2004379). An algorithm developed to predict the effect of missense changes on protein structure and function (PolyPhen-2) suggests that this variant is likely to be disruptive. In summary, the available evidence is currently insufficient to determine the role of this variant in disease. Therefore, it has been classified as a Variant of Uncertain Significance.